The following is an entry in ClinVar:

NM_018136.5(ASPM):c.9593G>A (p.Arg3198His)

Gene: ASPM (assembly factor for spindle microtubules; minus strand). Cytogenetic location: 1q31.3.
Variant type: single nucleotide variant.
Coding change: c.9593G>A on transcript NM_018136.5 (MANE Select); coding-DNA position 9593, G replaced by A.
Protein change: p.Arg3198His; replaces arginine 3198 with histidine.
Molecular consequence: missense variant.
Genome position (GRCh38, 1-based): chr1:197,090,893, C>T on the plus strand (G>A on the coding strand, the complement: ASPM is on the minus strand). VCF-style: chr1-197090893-C-T. GRCh37 (hg19) VCF-style: chr1-197060023-C-T.
Other names: c.4838G>A, p.Arg1613His (NM_001206846.2); c.9593G>A (NM_018136.4); short protein forms R1613H, R3198H.
Identifiers: ClinVar variation 1486541 (VCV001486541.11), dbSNP rs145333987, ClinGen allele CA1308915.

ClinVar aggregate classification (germline): Uncertain significance. Review status: criteria provided, multiple submitters, no conflicts (2 of 4 stars). 5 submissions from 5 submitters: Uncertain significance (5). Last evaluated 2025-12-01.

Conditions:
Inborn genetic diseases. Identifiers: MedGen C0950123, MeSH D030342.
ASPM-related disorder. Also called: ASPM-related condition.
Microcephaly 5, primary, autosomal recessive (MCPH5). Also called: ASPM Primary Microcephaly. Identifiers: Orphanet 2512, MedGen C1837501, MONDO:0012106, OMIM 608716.

Allele frequency attached by ClinVar (database versions not stated): gnomAD exomes 0.00004.
gnomAD v4.1: 80 of 1,612,968 alleles (0.005%); highest among the groups gnomAD compares: African/African-American, 0.047%; no homozygotes.

Submissions (5):

PreventionGenetics, part of Exact Sciences
Classification: Uncertain significance for ASPM-related condition. Last evaluated: 2025-12-01. Review status: criteria provided, single submitter. Criteria: ACMG Guidelines, 2015. Collection method: clinical testing. Allele origin: germline.
Comment: The ASPM c.9593G>A variant is predicted to result in the amino acid substitution p.Arg3198His. To our knowledge, this variant has not been reported in the literature. This variant is reported in 0.036% of alleles in individuals of African descent in gnomAD. At this time, the clinical significance of this variant is uncertain due to the absence of conclusive functional and genetic evidence.

Ambry Genetics
Classification: Uncertain significance for Inborn genetic diseases. Last evaluated: 2025-11-25. Review status: criteria provided, single submitter. Criteria: Ambry Variant Classification Scheme 2023. Collection method: clinical testing. Allele origin: germline.

Labcorp Genetics (formerly Invitae), Labcorp
Classification: Uncertain significance. Last evaluated: 2025-05-21. Review status: criteria provided, single submitter. Criteria: Invitae Variant Classification Sherloc (09022015). Collection method: clinical testing. Allele origin: germline.
Comment: This sequence change replaces arginine, which is basic and polar, with histidine, which is basic and polar, at codon 3198 of the ASPM protein (p.Arg3198His). This variant is present in population databases (rs145333987, gnomAD 0.04%). This variant has not been reported in the literature in individuals affected with ASPM-related conditions. ClinVar contains an entry for this variant (Variation ID: 1486541). An algorithm developed to predict the effect of missense changes on protein structure and function outputs the following: PolyPhen-2: "Benign". The histidine amino acid residue is found in multiple mammalian species, which suggests that this missense change does not adversely affect protein function. In summary, the available evidence is currently insufficient to determine the role of this variant in disease. Therefore, it has been classified as a Variant of Uncertain Significance.

Genome-Nilou Lab
Classification: Uncertain significance for Microcephaly 5, primary, autosomal recessive. Last evaluated: 2023-04-11. Review status: criteria provided, single submitter. Criteria: ACMG Guidelines, 2015. Collection method: clinical testing. Allele origin: germline. Affected: no.

Revvity Omics, Revvity
Classification: Uncertain significance for Microcephaly 5, primary, autosomal recessive. Last evaluated: 2020-12-29. Review status: criteria provided, single submitter. Criteria: ACMG Guidelines, 2015. Collection method: clinical testing. Allele origin: germline.